The following is an entry in ClinVar:

NM_000257.4(MYH7):c.197G>A (p.Gly66Asp)

Gene: MYH7 (myosin heavy chain 7; minus strand). Cytogenetic location: 14q11.2.
Variant type: single nucleotide variant.
Coding change: c.197G>A on transcript NM_000257.4 (MANE Select); coding-DNA position 197, G replaced by A.
Protein change: p.Gly66Asp; replaces glycine 66 with aspartic acid.
Molecular consequence: missense variant.
Genome position (GRCh38, 1-based): chr14:23,433,536, C>T on the plus strand (G>A on the coding strand, the complement: MYH7 is on the minus strand). VCF-style: chr14-23433536-C-T. GRCh37 (hg19) VCF-style: chr14-23902745-C-T.
Other names: short protein forms G66D.
Identifiers: ClinVar variation 960349 (VCV000960349.11), dbSNP rs1893032620, ClinGen allele CA389053588.
Genomic context (GRCh38, chr14:23,433,536, plus strand): 5'-GTCCACCCAGGTGTACAGGTGGCCAGGGTGGACTCTCACATCAGCCTGACACCCACCTTG[C>T]CATACTCGGTCTCGGCAGTGACTTTGCCACCCTCTCGAGACACGATCTTGGCCTTGACAA-3'
Protein context (NP_000248.2, residues 56-76): GGKVTAETEY[Gly66Asp]KTVTVKEDQV

ClinVar aggregate classification (germline): Uncertain significance. Review status: criteria provided, multiple submitters, no conflicts (2 of 4 stars). 3 submissions from 3 submitters: Uncertain significance (3). Last evaluated 2024-11-06.

Conditions:
Cardiomyopathy (CMYO). Also called: Cardiomyopathies. Identifiers: Orphanet 167848, MedGen C0878544, MONDO:0004994, HP:0001638. Inheritance: Various modes of inheritance.
Cardiovascular phenotype. Identifiers: MedGen CN230736.
Hypertrophic cardiomyopathy. Also called: HYPERTROPHIC MYOCARDIOPATHY. Identifiers: Orphanet 217569, MedGen C0007194, MeSH D002312, MONDO:0005045, HP:0001639.

Allele frequency attached by ClinVar (database versions not stated): gnomAD exomes below 0.00001; TOPMed below 0.00001.
gnomAD v4.1: 1 of 1,613,922 alleles (0.000062%); highest among the groups gnomAD compares: Admixed American, 0.0017%; no homozygotes.

Submissions (3):

Labcorp Genetics (formerly Invitae), Labcorp
Classification: Uncertain significance for Hypertrophic cardiomyopathy. Last evaluated: 2024-11-06. Review status: criteria provided, single submitter. Criteria: Invitae Variant Classification Sherloc (09022015). Collection method: clinical testing. Allele origin: germline.
Comment: This sequence change replaces glycine, which is neutral and non-polar, with aspartic acid, which is acidic and polar, at codon 66 of the MYH7 protein (p.Gly66Asp). This variant is not present in population databases (gnomAD no frequency). This variant has not been reported in the literature in individuals affected with MYH7-related conditions. ClinVar contains an entry for this variant (Variation ID: 960349). Invitae Evidence Modeling of protein sequence and biophysical properties (such as structural, functional, and spatial information, amino acid conservation, physicochemical variation, residue mobility, and thermodynamic stability) indicates that this missense variant is expected to disrupt MYH7 protein function with a positive predictive value of 95%. In summary, the available evidence is currently insufficient to determine the role of this variant in disease. Therefore, it has been classified as a Variant of Uncertain Significance.

Ambry Genetics
Classification: Uncertain significance for Cardiovascular phenotype. Last evaluated: 2023-12-22. Review status: criteria provided, single submitter. Criteria: Ambry Variant Classification Scheme 2023. Collection method: clinical testing. Allele origin: germline.
Comment: The p.G66D variant (also known as c.197G>A), located in coding exon 1 of the MYH7 gene, results from a G to A substitution at nucleotide position 197. The glycine at codon 66 is replaced by aspartic acid, an amino acid with similar properties. This amino acid position is highly conserved in available vertebrate species. In addition, the in silico prediction for this alteration is inconclusive. Since supporting evidence is limited at this time, the clinical significance of this alteration remains unclear.

All of Us Research Program, National Institutes of Health
Classification: Uncertain significance for Cardiomyopathy. Last evaluated: 2023-11-02. Review status: criteria provided, single submitter. Criteria: ACMG Guidelines, 2015. Collection method: clinical testing. Allele origin: germline. Inheritance: Autosomal dominant inheritance. Observed: 1 variant allele, 1 heterozygote.
Comment: This missense variant replaces glycine with aspartic acid at codon 66 of the MYH7 protein. Computational prediction is inconclusive regarding the impact of this variant on protein structure and function (internally defined REVEL score threshold 0.5 < inconclusive < 0.7, PMID: 27666373). To our knowledge, functional studies have not been reported for this variant. This variant has not been reported in individuals affected with MYH7-related disorders in the literature. This variant has not been identified in the general population by the Genome Aggregation Database (gnomAD). The available evidence is insufficient to determine the role of this variant in disease conclusively. Therefore, this variant is classified as a Variant of Uncertain Significance.

This study involves interpretation of variants in research participants for the purpose of population health screening. Participant phenotype was not available at the time of variant classification. Additional details can be found in publication PMID: 35346344, PMCID: PMC8962531